The following is an entry in ClinVar:

NM_001267550.2(TTN):c.103611del (p.Met34538fs)

Genes: TTN-AS1 (TTN antisense RNA 1; plus strand), TTN (titin; minus strand). Cytogenetic location: 2q31.2.
Variant type: Deletion.
Coding change: c.103611del on transcript NM_001267550.2 (MANE Select); coding-DNA position 103611, one base deleted (G; older notation c.103611delG).
Protein change: p.Met34538fs; shifts the reading frame from methionine 34538.
Molecular consequence: frameshift variant.
Genome position (GRCh38, 1-based): chr2:178,533,004, C deleted on the plus strand (G on the coding strand, the reverse complement: TTN is on the minus strand); the first of 2 consecutive C bases (chr2:178,533,004-178,533,005); deleting either gives the same sequence. VCF-style (leftmost placement, unchanged base first): chr2-178533003-TC-T. GRCh37 (hg19) VCF-style: chr2-179397730-TC-T.
Other names: c.98688del, p.Met32897fs (NM_001256850.1); c.103610delG, p.Met34538Cysfs (NM_001267550.1); c.76416del, p.Met25473fs (NM_003319.4); c.95907del, p.Met31970fs (NM_133378.4); c.76791del, p.Met25598fs (NM_133432.3); c.76992del, p.Met25665fs (NM_133437.4); short protein forms M25473fs, M25598fs, M25665fs, M31970fs, M32897fs, M34538fs.
Identifiers: ClinVar variation 3359368 (VCV003359368.3).

ClinVar aggregate classification (germline): Likely pathogenic. Review status: criteria provided, multiple submitters, no conflicts (2 of 4 stars). 2 submissions from 2 submitters: Likely pathogenic (2). Last evaluated 2025-11-12.

Conditions:
Dilated cardiomyopathy 1G (CMD1G). Identifiers: Orphanet 154, MedGen C1858763, MONDO:0011400, OMIM 604145.
Autosomal recessive limb-girdle muscular dystrophy type 2J (LGMDR10). Also called: Limb-girdle muscular dystrophy, type 2J; MUSCULAR DYSTROPHY, LIMB-GIRDLE, AUTOSOMAL RECESSIVE 10. Identifiers: Orphanet 140922, MedGen C1837342, MONDO:0012127, OMIM 608807.

Submissions (2):

Labcorp Genetics (formerly Invitae), Labcorp
Classification: Likely pathogenic for Dilated cardiomyopathy 1G; Autosomal recessive limb-girdle muscular dystrophy type 2J. Last evaluated: 2025-11-12. Review status: criteria provided, single submitter. Criteria: Invitae Variant Classification Sherloc (09022015). Collection method: clinical testing. Allele origin: germline.
Comment: This sequence change creates a premature translational stop signal (p.Met34538Cysfs*16) in the TTN gene. While this is not anticipated to result in nonsense mediated decay, it is expected to create a truncated TTN protein. This variant is not present in population databases (gnomAD no frequency). This variant has not been reported in the literature in individuals affected with TTN-related conditions. ClinVar contains an entry for this variant (Variation ID: 3359368). This variant is located in the M band of TTN (PMID: 25589632). Truncating variants in this region have been previously reported in individuals affected with autosomal dominant or autosomal recessive myopathy and muscular dystrophy (PMID: 18948003, 23975875, 24395473). Truncating variants in this region have also been identified in individuals affected with autosomal dominant dilated cardiomyopathy and/or cardio-related conditions (PMID: 27869827, 32964742, internal data). In summary, the currently available evidence indicates that the variant is pathogenic, but additional data are needed to prove that conclusively. Therefore, this variant has been classified as Likely Pathogenic.

GeneDx
Classification: Likely pathogenic. Last evaluated: 2023-12-18. Review status: criteria provided, single submitter. Criteria: GeneDx Variant Classification Process June 2021. Collection method: clinical testing. Allele origin: germline. Affected: yes.
Comment: Frameshift variant predicted to result in protein truncation or nonsense mediated decay in a gene for which loss of function is a known mechanism of disease; Located in the M-line region of TTN in which the majority of loss of function variants have been associated with autosomal recessive titinopathies (PMID: 17444505); Not observed at significant frequency in large population cohorts (gnomAD); Has not been previously published as pathogenic or benign to our knowledge; This variant is associated with the following publications: (PMID: 17444505)

Literature cited by the submitters: PubMed 25589632 (cited by Labcorp Genetics (formerly Invitae), Labcorp); PubMed 18948003 (cited by Labcorp Genetics (formerly Invitae), Labcorp); PubMed 23975875 (cited by Labcorp Genetics (formerly Invitae), Labcorp); PubMed 24395473 (cited by Labcorp Genetics (formerly Invitae), Labcorp); PubMed 27869827 (cited by Labcorp Genetics (formerly Invitae), Labcorp); PubMed 32964742 (cited by Labcorp Genetics (formerly Invitae), Labcorp).